The following is an entry in ClinVar:

ClinVar aggregate classification (germline): Conflicting classifications of pathogenicity. Review status: criteria provided, conflicting classifications (1 of 4 stars). 3 submissions from 3 submitters: Uncertain significance (2); Likely benign (1). Last evaluated 2024-12-06.

Conditions:
Hereditary cancer-predisposing syndrome. Also called: Neoplastic Syndromes, Hereditary; Tumor predisposition; Hereditary Cancer Syndrome; Hereditary neoplastic syndrome. Identifiers: Orphanet 140162, MedGen C0027672, MeSH D009386, MONDO:0015356.

Allele frequency attached by ClinVar (database versions not stated): ESP Exome Variant Server 0.00008; gnomAD exomes below 0.00001; ExAC 0.00001; gnomAD 0.00001; TOPMed 0.00001.
gnomAD v4.1: 4 of 1,613,806 alleles (0.00025%); highest among the groups gnomAD compares: Non-Finnish European, 0.00025%; no homozygotes.

Submissions (3):

Ambry Genetics
Classification: Likely benign for Hereditary cancer-predisposing syndrome. Last evaluated: 2024-12-06. Review status: criteria provided, single submitter. Criteria: Ambry Variant Classification Scheme 2023. Collection method: clinical testing. Allele origin: germline.

Labcorp Genetics (formerly Invitae), Labcorp
Classification: Uncertain significance. Last evaluated: 2024-08-19. Review status: criteria provided, single submitter. Criteria: Invitae Variant Classification Sherloc (09022015). Collection method: clinical testing. Allele origin: germline.
Comment: This sequence change replaces lysine, which is basic and polar, with arginine, which is basic and polar, at codon 1169 of the POLE protein (p.Lys1169Arg). This variant is present in population databases (rs374456899, gnomAD 0.0009%). This variant has not been reported in the literature in individuals affected with POLE-related conditions. ClinVar contains an entry for this variant (Variation ID: 473598). Invitae Evidence Modeling of protein sequence and biophysical properties (such as structural, functional, and spatial information, amino acid conservation, physicochemical variation, residue mobility, and thermodynamic stability) indicates that this missense variant is not expected to disrupt POLE protein function with a negative predictive value of 80%. RNA analysis performed to evaluate the impact of this missense change on mRNA splicing indicates it does not significantly alter splicing (Invitae). In summary, the available evidence is currently insufficient to determine the role of this variant in disease. Therefore, it has been classified as a Variant of Uncertain Significance.

GeneDx
Classification: Uncertain significance. Last evaluated: 2024-06-18. Review status: criteria provided, single submitter. Criteria: GeneDx Variant Classification Process June 2021. Collection method: clinical testing. Allele origin: germline. Affected: yes.
Comment: Not observed at significant frequency in large population cohorts (gnomAD); In silico analysis indicates that this missense variant does not alter protein structure/function; Has not been previously published as pathogenic or benign to our knowledge

NM_006231.4(POLE):c.3506A>G (p.Lys1169Arg)

Gene: POLE (DNA polymerase epsilon, catalytic subunit; minus strand). Cytogenetic location: 12q24.33.
Variant type: single nucleotide variant.
Coding change: c.3506A>G on transcript NM_006231.4 (MANE Select); coding-DNA position 3506, A replaced by G.
Protein change: p.Lys1169Arg; replaces lysine 1169 with arginine.
Molecular consequence: missense variant.
Genome position (GRCh38, 1-based): chr12:132,657,212, T>C on the plus strand (A>G on the coding strand, the complement: POLE is on the minus strand). VCF-style: chr12-132657212-T-C. GRCh37 (hg19) VCF-style: chr12-133233798-T-C.
Other names: short protein forms K1169R.
Identifiers: ClinVar variation 473598 (VCV000473598.13), dbSNP rs374456899, ClinGen allele CA6893196.
Genomic context (GRCh38, chr12:132,657,212, plus strand): 5'-AGGGTGAAGAGCTCACTGATCTTCTTCTGCTTGTAGACATCATTCTTCTCCAGCAGTTTT[T>C]TGTGCAGCCAGTCGGGGTGTTTGACACGTGGCACTGGGTTCTTTACCTGTGTGAGGCCAA-3'
Protein context (NP_006222.2, residues 1159-1179): PRVKHPDWLH[Lys1169Arg]KLLEKNDVYK